The following is an entry in ClinVar:

ClinVar aggregate classification (germline): Conflicting classifications of pathogenicity. Review status: criteria provided, conflicting classifications (1 of 4 stars). 2 submissions from 2 submitters: Likely pathogenic (1); Uncertain significance (1). Last evaluated 2025-07-21.

Conditions:
Dilated cardiomyopathy 1G (CMD1G). Identifiers: Orphanet 154, MedGen C1858763, MONDO:0011400, OMIM 604145.
Autosomal recessive limb-girdle muscular dystrophy type 2J (LGMDR10). Also called: Limb-girdle muscular dystrophy, type 2J; MUSCULAR DYSTROPHY, LIMB-GIRDLE, AUTOSOMAL RECESSIVE 10. Identifiers: Orphanet 140922, MedGen C1837342, MONDO:0012127, OMIM 608807.

gnomAD v4.1: 3 of 1,558,464 alleles (0.00019%); highest among the groups gnomAD compares: Non-Finnish European, 0.00026%; no homozygotes.

Submissions (2):

Labcorp Genetics (formerly Invitae), Labcorp
Classification: Likely pathogenic for Dilated cardiomyopathy 1G; Autosomal recessive limb-girdle muscular dystrophy type 2J. Last evaluated: 2025-07-21. Review status: criteria provided, single submitter. Criteria: Invitae Variant Classification Sherloc (09022015). Collection method: clinical testing. Allele origin: germline.
Comment: This sequence change affects a donor splice site in intron 163 of the TTN gene. It is expected to disrupt RNA splicing and likely results in a truncated or disrupted TTN protein. The frequency data for this variant in the population databases is considered unreliable, as metrics indicate poor data quality at this position in the gnomAD database. This variant has not been reported in the literature in individuals affected with TTN-related conditions. ClinVar contains an entry for this variant (Variation ID: 3753126). Algorithms developed to predict the effect of sequence changes on RNA splicing suggest that this variant may disrupt the consensus splice site. This variant is located in the I band of TTN (PMID: 25589632). Truncating variants in this region have been reported in individuals affected with autosomal recessive centronuclear myopathy (PMID: 23975875, internal data). Truncating variants in this region have also been identified in individuals affected with autosomal dominant dilated cardiomyopathy and/or cardio-related conditions (PMID: 27869827, 32964742, internal data). In summary, the currently available evidence indicates that the variant is pathogenic, but additional data are needed to prove that conclusively. Therefore, this variant has been classified as Likely Pathogenic.

Blueprint Genetics
Classification: Uncertain significance. Last evaluated: 2022-12-22. Review status: criteria provided, single submitter. Criteria: ACMG Guidelines, 2015. Collection method: clinical testing. Allele origin: germline.

Literature cited by the submitters: PubMed 25589632 (cited by Labcorp Genetics (formerly Invitae), Labcorp); PubMed 23975875 (cited by Labcorp Genetics (formerly Invitae), Labcorp); PubMed 27869827 (cited by Labcorp Genetics (formerly Invitae), Labcorp); PubMed 32964742 (cited by Labcorp Genetics (formerly Invitae), Labcorp).

NM_001267550.2(TTN):c.35875+1G>C

Gene: TTN (titin; minus strand). Cytogenetic location: 2q31.2.
Variant type: single nucleotide variant.
Coding change: c.35875+1G>C on transcript NM_001267550.2 (MANE Select); the canonical splice donor site of the intron after coding-DNA position 35875, G replaced by C.
Molecular consequence: splice donor variant. On other transcripts: intron variant (5).
Genome position (GRCh38, 1-based): chr2:178,666,823, C>G on the plus strand (G>C on the coding strand, the complement: TTN is on the minus strand). VCF-style: chr2-178666823-C-G. GRCh37 (hg19) VCF-style: chr2-179531550-C-G.
Other names: c.13283-24506G>C (NM_003319.4); c.13859-24506G>C (NM_133437.4); c.13658-24506G>C (NM_133432.3); c.31483+3395G>C (NM_133378.4); c.34264+3395G>C (NM_001256850.1).
Identifiers: ClinVar variation 3753126 (VCV003753126.3).
Genomic context (GRCh38, chr2:178,666,823, plus strand): 5'-ACATGTGTTAAGTACAACTGCAAACATGAGATTAAAAAGGTGACTTTCTTCCAACTTGTA[C>G]CTGTTGGTGATGGTGTTTTTCTTCTTTTAACAATAGGAGTTTCTCCCTCTGGAATGACTT-3'